The following is an entry in ClinVar:

NM_152468.5(TMC8):c.1886G>A (p.Arg629Gln)

Gene: TMC8 (transmembrane channel like 8; plus strand). Cytogenetic location: 17q25.3.
Variant type: single nucleotide variant.
Coding change: c.1886G>A on transcript NM_152468.5 (MANE Select); coding-DNA position 1886, G replaced by A.
Protein change: p.Arg629Gln; replaces arginine 629 with glutamine.
Molecular consequence: missense variant.
Genome position (GRCh38, 1-based): chr17:78,139,224, G>A. VCF-style: chr17-78139224-G-A. GRCh37 (hg19) VCF-style: chr17-76135305-G-A.
Other names: c.1886G>A (NM_152468.4); short protein forms R629Q.
Identifiers: ClinVar variation 1427983 (VCV001427983.6), dbSNP rs369861947, ClinGen allele CA8797074.

ClinVar aggregate classification (germline): Uncertain significance. Review status: criteria provided, multiple submitters, no conflicts (2 of 4 stars). 2 submissions from 2 submitters: Uncertain significance (2). Last evaluated 2023-05-30.

Conditions:
Epidermodysplasia verruciformis. Identifiers: Orphanet 302, MedGen C0014522, MONDO:0009176.
Inborn genetic diseases. Identifiers: MedGen C0950123, MeSH D030342.

Submissions (2):

Ambry Genetics
Classification: Uncertain significance for Inborn genetic diseases. Last evaluated: 2023-05-30. Review status: criteria provided, single submitter. Criteria: Ambry Variant Classification Scheme 2023. Collection method: clinical testing. Allele origin: germline.

Labcorp Genetics (formerly Invitae), Labcorp
Classification: Uncertain significance for Epidermodysplasia verruciformis. Last evaluated: 2022-03-19. Review status: criteria provided, single submitter. Criteria: Invitae Variant Classification Sherloc (09022015). Collection method: clinical testing. Allele origin: germline.
Comment: This sequence change replaces arginine, which is basic and polar, with glutamine, which is neutral and polar, at codon 629 of the TMC8 protein (p.Arg629Gln). This variant is present in population databases (rs369861947, gnomAD 0.02%). This variant has not been reported in the literature in individuals affected with TMC8-related conditions. Algorithms developed to predict the effect of missense changes on protein structure and function output the following: SIFT: "Tolerated"; PolyPhen-2: "Benign"; Align-GVGD: "Class C0". The glutamine amino acid residue is found in multiple mammalian species, which suggests that this missense change does not adversely affect protein function. In summary, the available evidence is currently insufficient to determine the role of this variant in disease. Therefore, it has been classified as a Variant of Uncertain Significance.